The following is an entry in ClinVar:

ClinVar aggregate classification (germline): Uncertain significance (1 of 4 stars; one submission).

Conditions:
Inborn genetic diseases. Identifiers: MedGen C0950123, MeSH D030342.

Submission:

Ambry Genetics
Classification: Uncertain significance for Inborn genetic diseases. Last evaluated: 2025-02-10. Review status: criteria provided, single submitter. Criteria: Ambry Variant Classification Scheme 2023. Collection method: clinical testing. Allele origin: germline.
Comment: The p.S339R variant (also known as c.1017T>A), located in coding exon 9 of the PAX5 gene, results from a T to A substitution at nucleotide position 1017. The serine at codon 339 is replaced by arginine, an amino acid with dissimilar properties. This amino acid position is conserved. In addition, the in silico prediction for this alteration is inconclusive. Based on the available evidence, the clinical significance of this variant remains unclear.

NM_016734.3(PAX5):c.1017T>A (p.Ser339Arg)

Gene: PAX5 (paired box 5; minus strand). Cytogenetic location: 9p13.2.
Variant type: single nucleotide variant.
Coding change: c.1017T>A on transcript NM_016734.3 (MANE Select); coding-DNA position 1017, T replaced by A.
Protein change: p.Ser339Arg; replaces serine 339 with arginine.
Molecular consequence: missense variant. On other transcripts: non-coding transcript variant (2), intron variant (5).
Genome position (GRCh38, 1-based): chr9:36,846,925, A>T on the plus strand (T>A on the coding strand, the complement: PAX5 is on the minus strand). VCF-style: chr9-36846925-A-T. GRCh37 (hg19) VCF-style: chr9-36846922-A-T.
Other names: c.915T>A, p.Ser305Arg (NM_001280547.2); c.785T>A, p.Val262Glu (NM_001280549.2); c.888T>A, p.Ser296Arg (NM_001280554.2); c.717T>A, p.Ser239Arg (NM_001280555.2); c.693T>A, p.Ser231Arg (NM_001280556.2); c.587-6289T>A (NM_001280551.2); c.884-6289T>A (NM_001280553.2); c.781-6289T>A (NM_001280550.2); and 2 more; short protein forms S305R, S231R, S339R, V262E, S239R, S296R.
Identifiers: ClinVar variation 3885953 (VCV003885953.1).